The following is an entry in ClinVar:

ClinVar aggregate classification (germline): Likely pathogenic (1 of 4 stars; one submission).

Conditions:
Dilated cardiomyopathy 1G (CMD1G). Identifiers: Orphanet 154, MedGen C1858763, MONDO:0011400, OMIM 604145.
Autosomal recessive limb-girdle muscular dystrophy type 2J (LGMDR10). Also called: Limb-girdle muscular dystrophy, type 2J; MUSCULAR DYSTROPHY, LIMB-GIRDLE, AUTOSOMAL RECESSIVE 10. Identifiers: Orphanet 140922, MedGen C1837342, MONDO:0012127, OMIM 608807.

Submission:

Labcorp Genetics (formerly Invitae), Labcorp
Classification: Likely pathogenic for Dilated cardiomyopathy 1G; Autosomal recessive limb-girdle muscular dystrophy type 2J. Last evaluated: 2025-03-16. Review status: criteria provided, single submitter. Criteria: Invitae Variant Classification Sherloc (09022015). Collection method: clinical testing. Allele origin: germline.
Comment: This sequence change creates a premature translational stop signal (p.Glu2044Serfs*2) in the TTN gene. While this is not anticipated to result in nonsense mediated decay, it is expected to create a truncated TTN protein. This variant is not present in population databases (gnomAD no frequency). This variant has not been reported in the literature in individuals affected with TTN-related conditions. This variant is located in the Z band of TTN (PMID: 25589632). Truncating variants in this region have been reported in individuals affected with autosomal recessive centronuclear myopathy (PMID: 33449170, internal data). Truncating variants in this region have also been identified in individuals affected with autosomal dominant dilated cardiomyopathy and/or cardio-related conditions (PMID: 27869827, 32964742, internal data). In summary, the currently available evidence indicates that the variant is pathogenic, but additional data are needed to prove that conclusively. Therefore, this variant has been classified as Likely Pathogenic.

Literature cited by the submitters: PubMed 25589632; PubMed 33449170; PubMed 27869827; PubMed 32964742.

NM_001267550.2(TTN):c.6129del (p.Glu2044fs)

Gene: TTN (titin; minus strand). Cytogenetic location: 2q31.2.
Variant type: Deletion.
Coding change: c.6129del on transcript NM_001267550.2 (MANE Select); coding-DNA position 6129, one base deleted (A; older notation c.6129delA).
Protein change: p.Glu2044fs; shifts the reading frame from glutamic acid 2044.
Molecular consequence: frameshift variant.
Genome position (GRCh38, 1-based): chr2:178,775,735, T deleted on the plus strand (A on the coding strand, the reverse complement: TTN is on the minus strand); the first of 3 consecutive T bases (chr2:178,775,735-178,775,737); deleting any one gives the same sequence. VCF-style (leftmost placement, unchanged base first): chr2-178775734-CT-C. GRCh37 (hg19) VCF-style: chr2-179640461-CT-C.
Other names: c.6129del, p.Glu2044fs (NM_001256850.1, NM_133378.4, NM_133379.5); c.5991del, p.Glu1998fs (NM_003319.4, NM_133432.3, NM_133437.4); short protein forms E1998fs, E2044fs.
Identifiers: ClinVar variation 4784445 (VCV004784445.1).